The following is an entry in ClinVar:

NM_017654.4(SAMD9):c.3361G>T (p.Asp1121Tyr)

Gene: SAMD9 (sterile alpha motif domain containing 9; minus strand). Cytogenetic location: 7q21.2.
Variant type: single nucleotide variant.
Coding change: c.3361G>T on transcript NM_017654.4 (MANE Select); coding-DNA position 3361, G replaced by T.
Protein change: p.Asp1121Tyr; replaces aspartic acid 1121 with tyrosine.
Molecular consequence: missense variant.
Genome position (GRCh38, 1-based): chr7:93,102,737, C>A on the plus strand (G>T on the coding strand, the complement: SAMD9 is on the minus strand). VCF-style: chr7-93102737-C-A. GRCh37 (hg19) VCF-style: chr7-92732050-C-A.
Other names: c.3361G>T, p.Asp1121Tyr (NM_001193307.2); c.3361G>T (NM_017654.3); short protein forms D1121Y.
Identifiers: ClinVar variation 2195839 (VCV002195839.8), dbSNP rs756675922, ClinGen allele CA4342710.
Genomic context (GRCh38, chr7:93,102,737, plus strand): 5'-TTCCTCCGTTTTCCTCTATCCACCATCTTATTTTACTTTTGTAGACTTGACCCAGTGTAT[C>A]TGAGATATAAGAATTGTCAGGTTCTATGATTTTTGCTTGTTTTGCCCAGTTTAGAGCATT-3'
Protein context (NP_060124.2, residues 1111-1131): IIEPDNSYIS[Asp1121Tyr]TLGQVYKSKI

ClinVar aggregate classification (germline): Uncertain significance. Review status: criteria provided, multiple submitters, no conflicts (2 of 4 stars). 3 submissions from 3 submitters: Uncertain significance (3). Last evaluated 2024-11-22.

Conditions:
Inborn genetic diseases. Identifiers: MedGen C0950123, MeSH D030342.

Allele frequency attached by ClinVar (database versions not stated): ExAC 0.00001; gnomAD 0.00001; gnomAD exomes 0.00001; TOPMed 0.00002.
gnomAD v4.1: 5 of 1,613,706 alleles (0.00031%); highest among the groups gnomAD compares: Non-Finnish European, 0.00042%; no homozygotes.

Submissions (3):

Ambry Genetics
Classification: Uncertain significance for Inborn genetic diseases. Last evaluated: 2024-11-22. Review status: criteria provided, single submitter. Criteria: Ambry Variant Classification Scheme 2023. Collection method: clinical testing. Allele origin: germline.
Comment: The p.D1121Y variant (also known as c.3361G>T), located in coding exon 1 of the SAMD9 gene, results from a G to T substitution at nucleotide position 3361. The aspartic acid at codon 1121 is replaced by tyrosine, an amino acid with highly dissimilar properties. This amino acid position is conserved. In addition, this alteration is predicted to be deleterious by in silico analysis. Based on the available evidence, the clinical significance of this variant remains unclear.

Labcorp Genetics (formerly Invitae), Labcorp
Classification: Uncertain significance. Last evaluated: 2024-04-30. Review status: criteria provided, single submitter. Criteria: Invitae Variant Classification Sherloc (09022015). Collection method: clinical testing. Allele origin: germline.
Comment: This sequence change replaces aspartic acid, which is acidic and polar, with tyrosine, which is neutral and polar, at codon 1121 of the SAMD9 protein (p.Asp1121Tyr). This variant is present in population databases (rs756675922, gnomAD 0.002%). This variant has not been reported in the literature in individuals affected with SAMD9-related conditions. ClinVar contains an entry for this variant (Variation ID: 2195839). Advanced modeling of protein sequence and biophysical properties (such as structural, functional, and spatial information, amino acid conservation, physicochemical variation, residue mobility, and thermodynamic stability) has been performed at Invitae for this missense variant, however the output from this modeling did not meet the statistical confidence thresholds required to predict the impact of this variant on SAMD9 protein function. In summary, the available evidence is currently insufficient to determine the role of this variant in disease. Therefore, it has been classified as a Variant of Uncertain Significance.

GeneDx
Classification: Uncertain significance. Last evaluated: 2023-07-20. Review status: criteria provided, single submitter. Criteria: GeneDx Variant Classification Process June 2021. Collection method: clinical testing. Allele origin: germline. Affected: yes.
Comment: Not observed at significant frequency in large population cohorts (gnomAD); In silico analysis supports that this missense variant has a deleterious effect on protein structure/function; Has not been previously published as pathogenic or benign to our knowledge; This variant is associated with the following publications: (PMID: 28545555)